The following is an entry in ClinVar:

ClinVar aggregate classification (germline): Pathogenic (1 of 4 stars; one submission).

Submission:

CeGaT Center for Human Genetics Tuebingen
Classification: Pathogenic. Last evaluated: 2026-09-01. Review status: criteria provided, single submitter. Criteria: CeGaT Center For Human Genetics Tuebingen Variant Classification Criteria Version 2. Collection method: clinical testing. Allele origin: germline. Affected: yes. Observed: 2 variant alleles.
Comment: RNF43: PVS1, PM2

NM_017763.6(RNF43):c.1990_2003del (p.Thr664fs)

Gene: RNF43 (ring finger protein 43; minus strand). Cytogenetic location: 17q22.
Variant type: Deletion.
Coding change: c.1990_2003del on transcript NM_017763.6 (MANE Select); coding-DNA positions 1990 to 2003, 14 bases deleted (ACCCCTGGCTCTCG).
Protein change: p.Thr664fs; shifts the reading frame from threonine 664.
Molecular consequence: frameshift variant.
Genome position (GRCh38, 1-based): chr17:58,357,773-58,357,786, CGAGAGCCAGGGGT deleted on the plus strand (ACCCCTGGCTCTCG on the coding strand, the reverse complement: RNF43 is on the minus strand). VCF-style (leftmost placement, unchanged base first): chr17-58357772-CCGAGAGCCAGGGGT-C. GRCh37 (hg19) VCF-style: chr17-56435133-CCGAGAGCCAGGGGT-C.
Other names: c.1990_2003del, p.Thr664fs (NM_001305544.3, NM_001438820.1, NM_001438821.1 and 1 more transcripts); c.1609_1622del, p.Thr537fs (NM_001305545.2, NM_001437987.1); short protein forms T537fs, T664fs.
Identifiers: ClinVar variation 5039935 (VCV005039935.1).